The following is an entry in ClinVar:

NM_001111.5(ADAR):c.585G>A (p.Trp195Ter)

Gene: ADAR (adenosine deaminase RNA specific; minus strand). Cytogenetic location: 1q21.3.
Variant type: single nucleotide variant.
Coding change: c.585G>A on transcript NM_001111.5 (MANE Select); coding-DNA position 585, G replaced by A.
Protein change: p.Trp195Ter; replaces tryptophan 195 with a stop codon.
Molecular consequence: nonsense. On other transcripts: 5 prime UTR variant (6).
Genome position (GRCh38, 1-based): chr1:154,602,057, C>T on the plus strand (G>A on the coding strand, the complement: ADAR is on the minus strand). VCF-style: chr1-154602057-C-T. GRCh37 (hg19) VCF-style: chr1-154574533-C-T.
Other names: c.-301G>A (NM_001025107.3, NM_001193495.2, NM_001365046.1 and 3 more transcripts); c.612G>A, p.Trp204Ter (NM_001365045.1); c.585G>A, p.Trp195Ter (NM_015840.4, NM_015841.4); short protein forms W195*, W204*.
Identifiers: ClinVar variation 4075411 (VCV004075411.1).

ClinVar aggregate classification (germline): Likely pathogenic (1 of 4 stars; one submission).

Conditions:
Symmetrical dyschromatosis of extremities (DSH). Also called: DYSCHROMATOSIS SYMMETRICA HEREDITARIA 1; RETICULATE ACROPIGMENTATION OF DOHI; SYMMETRIC DYSCHROMATOSIS OF THE EXTREMITIES; Dyschromatosis symmetrica hereditaria. Identifiers: Orphanet 41, MedGen C0406775, MONDO:0007483, OMIM 127400.

Submission:

Dermatology, The Second Affiliated Hospital of Xi'an Jiaotong University
Classification: Likely pathogenic for Symmetrical dyschromatosis of extremities. Last evaluated: 2020-12-01. Review status: criteria provided, single submitter. Criteria: ACMG Guidelines, 2015. Collection method: clinical testing. Allele origin: germline. Affected: yes. Observed: 1 variant allele.
Comment: Missense variant c.585G>A(p.Glu195Lys) is classified as Likely Pathogenic. Computational analyses (REVEL, CADD, etc.) predict a damaging effect on the ADAR protein (PP3). The variant is rare or absent in population databases (PM2). Combined evidence meets criteria for Likely Pathogenic. No benign evidence is reported.